The following is an entry in ClinVar:

NM_001009944.3(PKD1):c.8017G>C (p.Gly2673Arg)

Gene: PKD1 (polycystin 1, transient receptor potential channel interacting; minus strand). Cytogenetic location: 16p13.3.
Variant type: single nucleotide variant.
Coding change: c.8017G>C on transcript NM_001009944.3 (MANE Select); coding-DNA position 8017, G replaced by C.
Protein change: p.Gly2673Arg; replaces glycine 2673 with arginine.
Molecular consequence: missense variant.
Genome position (GRCh38, 1-based): chr16:2,104,642, C>G on the plus strand (G>C on the coding strand, the complement: PKD1 is on the minus strand). VCF-style: chr16-2104642-C-G. GRCh37 (hg19) VCF-style: chr16-2154643-C-G.
Other names: c.8017G>C, p.Gly2673Arg (NM_000296.4); short protein forms G2673R.
Identifiers: ClinVar variation 2467854 (VCV002467854.5), dbSNP rs563412045, ClinGen allele CA7830748.

ClinVar aggregate classification (germline): Conflicting classifications of pathogenicity. Review status: criteria provided, conflicting classifications (1 of 4 stars). 3 submissions from 3 submitters: Uncertain significance (2); Likely benign (1). Last evaluated 2026-04-28.

Conditions:
PKD1-related disorder. Also called: PKD1-related condition.
Polycystic kidney disease, adult type (PKD1). Also called: Polycystic Kidney Disease 1, Autosomal Dominant; Polycystic kidney disease 1; Polycystic kidney disease 1, severe; Polycystic Kidney, Autosomal Dominant; POLYCYSTIC KIDNEY DISEASE, ADULT, TYPE I; POLYCYSTIC KIDNEY DISEASE 1 WITH OR WITHOUT POLYCYSTIC LIVER DISEASE. Identifiers: MedGen C3149841, MONDO:0008263, OMIM 173900.
Inborn genetic diseases. Identifiers: MedGen C0950123, MeSH D030342.

Allele frequency attached by ClinVar (database versions not stated): gnomAD exomes 0.00004; ExAC 0.00012; 1000 Genomes Project 30x 0.00016; 1000 Genomes Project 0.00020; gnomAD 0.00032; TOPMed 0.00034.
gnomAD v4.1: 96 of 1,511,064 alleles (0.0064%); highest among the groups gnomAD compares: African/African-American, 0.13%; no homozygotes.

Submissions (3):

PreventionGenetics, part of Exact Sciences
Classification: Likely benign for PKD1-related condition. Last evaluated: 2026-04-28. Review status: criteria provided, single submitter. Criteria: ACMG Guidelines, 2015. Collection method: clinical testing. Allele origin: germline.
Comment: This variant is classified as likely benign based on ACMG/AMP sequence variant interpretation guidelines (Richards et al. 2015 PMID: 25741868, with internal and published modifications).

Ambry Genetics
Classification: Uncertain significance for Inborn genetic diseases. Last evaluated: 2025-01-27. Review status: criteria provided, single submitter. Criteria: Ambry Variant Classification Scheme 2023. Collection method: clinical testing. Allele origin: germline.

Department of Pathology and Laboratory Medicine, Sinai Health System
Classification: Uncertain significance for Polycystic kidney disease, adult type. Last evaluated: 2019-03-07. Review status: criteria provided, single submitter. Criteria: ACMG Guidelines, 2015. Collection method: clinical testing. Allele origin: germline.